The following is an entry in ClinVar:

NM_002439.5(MSH3):c.909+3C>T

Gene: MSH3 (mutS homolog 3; plus strand). Cytogenetic location: 5q14.1.
Variant type: single nucleotide variant.
Coding change: c.909+3C>T on transcript NM_002439.5 (MANE Select); 3 bases into the intron after coding-DNA position 909, C replaced by T.
Molecular consequence: intron variant.
Genome position (GRCh38, 1-based): chr5:80,672,363, C>T. VCF-style: chr5-80672363-C-T. GRCh37 (hg19) VCF-style: chr5-79968182-C-T.
Identifiers: ClinVar variation 645774 (VCV000645774.12), dbSNP rs763390172, ClinGen allele CA915943431.
Genomic context (GRCh38, chr5:80,672,363, plus strand): 5'-TATACCTACTCACAGACTGTTTGTTCATGTACGCCGCCTGGTGGCAAAAGGATATAAGGT[C>T]AGCTTTGGCTTTAACTTGTGGGGAAAGGAAATTGGGATTCTCCTCCAGAGAGTGCAAACG-3'

ClinVar aggregate classification (germline): Conflicting classifications of pathogenicity. Review status: criteria provided, conflicting classifications (1 of 4 stars). 2 submissions from 2 submitters: Uncertain significance (1); Likely benign (1). Last evaluated 2025-08-22.

Conditions:
Hereditary cancer-predisposing syndrome. Also called: Hereditary Cancer Syndrome; Tumor predisposition; Hereditary neoplastic syndrome; Neoplastic Syndromes, Hereditary. Identifiers: Orphanet 140162, MedGen C0027672, MeSH D009386, MONDO:0015356.

gnomAD v4.1: 1 of 1,601,714 alleles (0.000062%); highest among the groups gnomAD compares: Non-Finnish European, 0.000086%; no homozygotes.

Submissions (2):

Ambry Genetics
Classification: Uncertain significance for Hereditary cancer-predisposing syndrome. Last evaluated: 2025-08-22. Review status: criteria provided, single submitter. Criteria: Ambry Variant Classification Scheme 2023. Collection method: clinical testing. Allele origin: germline.
Comment: The c.909+3C>T intronic variant results from a C to T substitution 3 nucleotides after coding exon 5 in the MSH3 gene. This nucleotide position is well conserved in available vertebrate species. In silico splice site analysis predicts that this alteration will not have any significant effect on splicing. Since supporting evidence is limited at this time, the clinical significance of this alteration remains unclear.

Labcorp Genetics (formerly Invitae), Labcorp
Classification: Likely benign. Last evaluated: 2025-08-01. Review status: criteria provided, single submitter. Criteria: Invitae Variant Classification Sherloc (09022015). Collection method: clinical testing. Allele origin: germline.